The following is an entry in ClinVar:

ClinVar aggregate classification (germline): Uncertain significance. Review status: criteria provided, multiple submitters, no conflicts (2 of 4 stars). 2 submissions from 2 submitters: Uncertain significance (2). Last evaluated 2025-07-21.

Conditions:
Fanconi anemia (FA). Also called: Fanconi's anemia. Identifiers: Orphanet 84, MedGen C0015625, MeSH D005199, MONDO:0019391.
Inborn genetic diseases. Identifiers: MedGen C0950123, MeSH D030342.

Allele frequency attached by ClinVar (database versions not stated): gnomAD exomes below 0.00001.
gnomAD v4.1: 2 of 1,614,174 alleles (0.00012%); highest among the groups gnomAD compares: East Asian, 0.0022%; no homozygotes.

Submissions (2):

Labcorp Genetics (formerly Invitae), Labcorp
Classification: Uncertain significance for Fanconi anemia. Last evaluated: 2025-07-21. Review status: criteria provided, single submitter. Criteria: Invitae Variant Classification Sherloc (09022015). Collection method: clinical testing. Allele origin: germline.
Comment: This sequence change replaces lysine, which is basic and polar, with arginine, which is basic and polar, at codon 467 of the FANCA protein (p.Lys467Arg). This variant is not present in population databases (gnomAD no frequency). This variant has not been reported in the literature in individuals affected with FANCA-related conditions. ClinVar contains an entry for this variant (Variation ID: 1422263). Invitae Evidence Modeling of protein sequence and biophysical properties (such as structural, functional, and spatial information, amino acid conservation, physicochemical variation, residue mobility, and thermodynamic stability) indicates that this missense variant is not expected to disrupt FANCA protein function with a negative predictive value of 95%. In summary, the available evidence is currently insufficient to determine the role of this variant in disease. Therefore, it has been classified as a Variant of Uncertain Significance.

Ambry Genetics
Classification: Uncertain significance for Inborn genetic diseases. Last evaluated: 2024-11-28. Review status: criteria provided, single submitter. Criteria: Ambry Variant Classification Scheme 2023. Collection method: clinical testing. Allele origin: germline.
Comment: The p.K467R variant (also known as c.1400A>G), located in coding exon 15 of the FANCA gene, results from an A to G substitution at nucleotide position 1400. The lysine at codon 467 is replaced by arginine, an amino acid with highly similar properties. This amino acid position is conserved. In addition, the in silico prediction for this alteration is inconclusive. Based on the available evidence, the clinical significance of this variant remains unclear.

NM_000135.4(FANCA):c.1400A>G (p.Lys467Arg)

Gene: FANCA (FA complementation group A; minus strand). Cytogenetic location: 16q24.3.
Variant type: single nucleotide variant.
Coding change: c.1400A>G on transcript NM_000135.4 (MANE Select); coding-DNA position 1400, A replaced by G.
Protein change: p.Lys467Arg; replaces lysine 467 with arginine.
Molecular consequence: missense variant.
Genome position (GRCh38, 1-based): chr16:89,784,924, T>C on the plus strand (A>G on the coding strand, the complement: FANCA is on the minus strand). VCF-style: chr16-89784924-T-C. GRCh37 (hg19) VCF-style: chr16-89851332-T-C.
Other names: c.1400A>G, p.Lys467Arg (NM_001286167.3); c.1400A>G (NM_000135.2); short protein forms K467R.
Identifiers: ClinVar variation 1422263 (VCV001422263.5), dbSNP rs2143476944, ClinGen allele CA397460026.